The following is an entry in ClinVar:

NM_014975.3(MAST1):c.2558C>T (p.Ser853Phe)

Gene: MAST1 (microtubule associated serine/threonine kinase 1; plus strand). Cytogenetic location: 19p13.13.
Variant type: single nucleotide variant.
Coding change: c.2558C>T on transcript NM_014975.3 (MANE Select); coding-DNA position 2558, C replaced by T.
Protein change: p.Ser853Phe; replaces serine 853 with phenylalanine.
Molecular consequence: missense variant.
Genome position (GRCh38, 1-based): chr19:12,867,969, C>T. VCF-style: chr19-12867969-C-T. GRCh37 (hg19) VCF-style: chr19-12978783-C-T.
Other names: short protein forms S853F.
Identifiers: ClinVar variation 4998926 (VCV004998926.1).

ClinVar aggregate classification (germline): Uncertain significance (1 of 4 stars; one submission).

Conditions:
MAST1-related disorder. Also called: MAST1-related condition.

Submission:

PreventionGenetics, part of Exact Sciences
Classification: Uncertain significance for MAST1-related condition. Last evaluated: 2025-06-27. Review status: criteria provided, single submitter. Criteria: ACMG Guidelines, 2015. Collection method: clinical testing. Allele origin: germline.
Comment: The MAST1 c.2558C>T variant is predicted to result in the amino acid substitution p.Ser853Phe. To our knowledge, this variant has not been reported in the literature or in a large population database (gnomAD), indicating this variant is rare. At this time, the clinical significance of this variant is uncertain due to the absence of conclusive functional and genetic evidence.